The following is an entry in ClinVar:

ClinVar aggregate classification (germline): Benign/Likely benign. Review status: criteria provided, multiple submitters, no conflicts (2 of 4 stars). 11 submissions from 8 submitters: Benign (5); Likely benign (6). Last evaluated 2026-01-31.

Conditions:
Cardiovascular phenotype. Identifiers: MedGen CN230736.
TTN-related disorder. Also called: TTN-related disorders; TTN-related condition; TTN-related disease.
Dilated cardiomyopathy 1G (CMD1G). Identifiers: Orphanet 154, MedGen C1858763, MONDO:0011400, OMIM 604145.
Autosomal recessive limb-girdle muscular dystrophy type 2J (LGMDR10). Also called: Limb-girdle muscular dystrophy, type 2J; MUSCULAR DYSTROPHY, LIMB-GIRDLE, AUTOSOMAL RECESSIVE 10. Identifiers: Orphanet 140922, MedGen C1837342, MONDO:0012127, OMIM 608807.
Hypertrophic cardiomyopathy 9. Also called: Familial hypertrophic cardiomyopathy 9. Identifiers: MedGen C1861065, MONDO:0013412, OMIM 613765.
Myopathy, myofibrillar, 9, with early respiratory failure (MFM9). Also called: Hereditary myopathy with early respiratory failure; MYOPATHY, PROXIMAL, WITH EARLY RESPIRATORY MUSCLE INVOLVEMENT; EDSTROM MYOPATHY; Myopathy, distal, with early respiratory failure, autosomal dominant. Identifiers: Orphanet 178464, Orphanet 34521, MedGen C1863599, MONDO:0011362, OMIM 603689.
Tibial muscular dystrophy (TMD). Also called: UDD MYOPATHY; Tibial muscular dystrophy, tardive; Udd Distal Myopathy – Tibial Muscular Dystrophy. Identifiers: Orphanet 609, MedGen C1838244, MONDO:0010870, OMIM 600334.
Early-onset myopathy with fatal cardiomyopathy (CMYO5). Also called: CONGENITAL MYOPATHY 5 WITH CARDIOMYOPATHY; Salih Myopathy. Identifiers: Orphanet 289377, MedGen C2673677, MONDO:0012714, OMIM 611705. Disease mechanism: loss of function.

Allele frequency attached by ClinVar (database versions not stated): TOPMed 0.00007; gnomAD 0.00009 and 0.00010; ExAC 0.00010; gnomAD exomes 0.00014; 1000 Genomes Project 30x 0.00016; 1000 Genomes Project 0.00020.
gnomAD v4.1: 94 of 1,613,710 alleles (0.0058%); highest among the groups gnomAD compares: Middle Eastern, 0.05%; no homozygotes.

Submissions (11):

Labcorp Genetics (formerly Invitae), Labcorp
Classification: Benign for Dilated cardiomyopathy 1G; Autosomal recessive limb-girdle muscular dystrophy type 2J. Last evaluated: 2026-01-31. Review status: criteria provided, single submitter. Criteria: Invitae Variant Classification Sherloc (09022015). Collection method: clinical testing. Allele origin: germline.

PreventionGenetics, part of Exact Sciences
Classification: Likely benign for TTN-related condition. Last evaluated: 2025-02-26. Review status: criteria provided, single submitter. Criteria: ACMG Guidelines, 2015. Collection method: clinical testing. Allele origin: germline.
Comment: This variant is classified as likely benign based on ACMG/AMP sequence variant interpretation guidelines (Richards et al. 2015 PMID: 25741868, with internal and published modifications).

Blueprint Genetics
Classification: Likely benign. Last evaluated: 2023-12-29. Review status: criteria provided, single submitter. Criteria: ACMG Guidelines, 2015. Collection method: clinical testing. Allele origin: germline.

CeGaT Center for Human Genetics Tuebingen
Classification: Likely benign. Last evaluated: 2023-08-01. Review status: criteria provided, single submitter. Criteria: CeGaT Center For Human Genetics Tuebingen Variant Classification Criteria Version 2. Collection method: clinical testing. Allele origin: germline. Affected: yes. Observed: 2 variant alleles.
Comment: TTN: BP4, BP7

Genome-Nilou Lab
Classification: Benign for Autosomal recessive limb-girdle muscular dystrophy type 2J. Last evaluated: 2021-09-10. Review status: criteria provided, single submitter. Criteria: ACMG Guidelines, 2015. Collection method: clinical testing. Allele origin: germline. Affected: no.

Genome-Nilou Lab
Classification: Benign for Myopathy, myofibrillar, 9, with early respiratory failure. Last evaluated: 2021-09-10. Review status: criteria provided, single submitter. Criteria: ACMG Guidelines, 2015. Collection method: clinical testing. Allele origin: germline. Affected: no.

Genome-Nilou Lab
Classification: Benign for Early-onset myopathy with fatal cardiomyopathy. Last evaluated: 2021-09-10. Review status: criteria provided, single submitter. Criteria: ACMG Guidelines, 2015. Collection method: clinical testing. Allele origin: germline. Affected: no.

Genome-Nilou Lab
Classification: Benign for Tibial muscular dystrophy. Last evaluated: 2021-09-10. Review status: criteria provided, single submitter. Criteria: ACMG Guidelines, 2015. Collection method: clinical testing. Allele origin: germline. Affected: no.

Fulgent Genetics
Classification: Likely benign for Tibial muscular dystrophy; Myopathy, myofibrillar, 9, with early respiratory failure; Dilated cardiomyopathy 1G; Autosomal recessive limb-girdle muscular dystrophy type 2J; Early-onset myopathy with fatal cardiomyopathy; Hypertrophic cardiomyopathy 9. Last evaluated: 2021-08-09. Review status: criteria provided, single submitter. Criteria: ACMG Guidelines, 2015. Collection method: clinical testing. Allele origin: unknown.

Ambry Genetics
Classification: Likely benign for Cardiovascular phenotype. Last evaluated: 2018-12-05. Review status: criteria provided, single submitter. Criteria: Ambry Variant Classification Scheme 2023. Collection method: clinical testing. Allele origin: germline.

Laboratory for Molecular Medicine, Mass General Brigham Personalized Medicine
Classification: Likely benign. Last evaluated: 2014-07-21. Review status: criteria provided, single submitter. Criteria: LMM Criteria. Collection method: clinical testing. Allele origin: germline. Observed: 1 variant allele.
Comment: Ala26901Ala in exon 280 of TTN: This variant is not expected to have clinical si gnificance because it does not alter an amino acid residue and is not located wi thin the splice consensus sequence.

NM_001267550.2(TTN):c.88407G>A (p.Ala29469=)

Genes: TTN (titin; minus strand), TTN-AS1 (TTN antisense RNA 1; plus strand). Cytogenetic location: 2q31.2.
Variant type: single nucleotide variant.
Coding change: c.88407G>A on transcript NM_001267550.2 (MANE Select); coding-DNA position 88407, G replaced by A.
Protein change: p.Ala29469=; no amino-acid change (alanine 29469 retained).
Molecular consequence: synonymous variant.
Genome position (GRCh38, 1-based): chr2:178,555,052, C>T on the plus strand (G>A on the coding strand, the complement: TTN is on the minus strand). VCF-style: chr2-178555052-C-T. GRCh37 (hg19) VCF-style: chr2-179419779-C-T.
Other names: c.83484G>A, p.Ala27828= (NM_001256850.1); c.61212G>A, p.Ala20404= (NM_003319.4); c.61587G>A, p.Ala20529= (NM_133432.3); c.61788G>A, p.Ala20596= (NM_133437.4); c.80703G>A, p.Ala26901= (NM_133378.4).
Identifiers: ClinVar variation 165763 (VCV000165763.48), dbSNP rs531445644, ClinGen allele CA178453.